The following is an entry in ClinVar:

NM_001376.5(DYNC1H1):c.3015+18C>G

Gene: DYNC1H1 (dynein cytoplasmic 1 heavy chain 1; plus strand). Cytogenetic location: 14q32.31.
Variant type: single nucleotide variant.
Coding change: c.3015+18C>G on transcript NM_001376.5 (MANE Select); 18 bases into the intron after coding-DNA position 3015, C replaced by G.
Molecular consequence: intron variant.
Genome position (GRCh38, 1-based): chr14:101,991,691, C>G. VCF-style: chr14-101991691-C-G. GRCh37 (hg19) VCF-style: chr14-102458028-C-G.
Identifiers: ClinVar variation 668740 (VCV000668740.19), dbSNP rs2749894, ClinGen allele CA7351917.

ClinVar aggregate classification (germline): Benign/Likely benign. Review status: criteria provided, multiple submitters, no conflicts (2 of 4 stars). 6 submissions from 6 submitters: Benign (2); Likely benign (4). Last evaluated 2026-01-19.

Conditions:
Charcot-Marie-Tooth disease. Also called: Charcot-Marie-Tooth Neuropathy; Charcot-Marie-Tooth Hereditary Neuropathy. Identifiers: Orphanet 166, MedGen C0007959, MONDO:0015626.
Cortical dysplasia, complex, with other brain malformations 13. Also called: Intellectual disability, autosomal dominant 13. Identifiers: MedGen C3281202, MONDO:0013805, OMIM 614563.
Autosomal dominant childhood-onset proximal spinal muscular atrophy without contractures. Also called: SPINAL MUSCULAR ATROPHY, JUVENILE, PROXIMAL, AUTOSOMAL DOMINANT; KUGELBERG-WELANDER SYNDROME, AUTOSOMAL DOMINANT; Spinal muscular atrophy, lower extremity-predominant 1, AD; SPINAL MUSCULAR ATROPHY, CHILDHOOD, PROXIMAL, AUTOSOMAL DOMINANT. Identifiers: Orphanet 209341, Orphanet 363447, MedGen C5780022, MONDO:0008026, OMIM 158600.
Charcot-Marie-Tooth disease axonal type 2O. Also called: CHARCOT-MARIE-TOOTH NEUROPATHY, AXONAL, TYPE 2O; CHARCOT-MARIE-TOOTH DISEASE, AXONAL, AUTOSOMAL DOMINANT, TYPE 2O; Charcot-Marie-Tooth Neuropathy Type 2O; Charcot-Marie-Tooth disease, axonal, type 20. Identifiers: Orphanet 284232, MedGen C3280220, MONDO:0013644, OMIM 614228.

Allele frequency attached by ClinVar (database versions not stated): 1000 Genomes Project 30x 0.00172; 1000 Genomes Project 0.00200.
gnomAD v4.1: 482 of 1,613,908 alleles (0.03%); highest among the groups gnomAD compares: African/African-American, 0.54%; no homozygotes.

Submissions (6):

Labcorp Genetics (formerly Invitae), Labcorp
Classification: Benign for Charcot-Marie-Tooth disease axonal type 2O. Last evaluated: 2026-01-19. Review status: criteria provided, single submitter. Criteria: Invitae Variant Classification Sherloc (09022015). Collection method: clinical testing. Allele origin: germline.

Blueprint Genetics
Classification: Likely benign. Last evaluated: 2024-10-09. Review status: criteria provided, single submitter. Criteria: ACMG Guidelines, 2015. Collection method: clinical testing. Allele origin: germline.

Fulgent Genetics
Classification: Likely benign for Autosomal dominant childhood-onset proximal spinal muscular atrophy without contractures; Charcot-Marie-Tooth disease axonal type 2O; Cortical dysplasia, complex, with other brain malformations 13. Last evaluated: 2022-01-13. Review status: criteria provided, single submitter. Criteria: ACMG Guidelines, 2015. Collection method: clinical testing. Allele origin: unknown.

ARUP Laboratories, Molecular Genetics and Genomics, ARUP Laboratories
Classification: Likely benign. Last evaluated: 2020-12-12. Review status: criteria provided, single submitter. Criteria: ARUP Molecular Germline Variant Investigation Process 2021. Collection method: clinical testing. Allele origin: germline.

GeneDx
Classification: Benign. Last evaluated: 2018-04-02. Review status: criteria provided, single submitter. Criteria: GeneDx Variant Classification (06012015). Collection method: clinical testing. Allele origin: germline. Affected: yes.
Comment: This variant is considered likely benign or benign based on one or more of the following criteria: it is a conservative change, it occurs at a poorly conserved position in the protein, it is predicted to be benign by multiple in silico algorithms, and/or has population frequency not consistent with disease.

Molecular Genetics Laboratory, London Health Sciences Centre
Classification: Likely benign for Charcot-Marie-Tooth disease. Review status: criteria provided, single submitter. Criteria: ACMG Guidelines, 2015. Collection method: clinical testing. Allele origin: germline. Affected: yes.